The following is an entry in ClinVar:

ClinVar aggregate classification (germline): Uncertain significance (1 of 4 stars; one submission).

Conditions:
Maple syrup urine disease (MSUD). Identifiers: Orphanet 511, MedGen C0024776, MeSH D008375, MONDO:0009563. Disease mechanism: loss of function.

Allele frequency attached by ClinVar (database versions not stated): gnomAD exomes below 0.00001; TOPMed below 0.00001; gnomAD 0.00001.
gnomAD v4.1: 10 of 1,614,022 alleles (0.00062%); highest among the groups gnomAD compares: Middle Eastern, 0.016%; no homozygotes.

Submission:

Labcorp Genetics (formerly Invitae), Labcorp
Classification: Uncertain significance for Maple syrup urine disease. Last evaluated: 2024-04-19. Review status: criteria provided, single submitter. Criteria: Invitae Variant Classification Sherloc (09022015). Collection method: clinical testing. Allele origin: germline.
Comment: This sequence change replaces valine, which is neutral and non-polar, with isoleucine, which is neutral and non-polar, at codon 232 of the BCKDHA protein (p.Val232Ile). This variant is present in population databases (no rsID available, gnomAD 0.0009%). This variant has not been reported in the literature in individuals affected with BCKDHA-related conditions. Algorithms developed to predict the effect of missense changes on protein structure and function output the following: SIFT: "Not Available"; PolyPhen-2: "Benign"; Align-GVGD: "Not Available". The isoleucine amino acid residue is found in multiple mammalian species, which suggests that this missense change does not adversely affect protein function. In summary, the available evidence is currently insufficient to determine the role of this variant in disease. Therefore, it has been classified as a Variant of Uncertain Significance.

NM_000709.4(BCKDHA):c.694G>A (p.Val232Ile)

Gene: BCKDHA (branched chain keto acid dehydrogenase E1 subunit alpha; plus strand). Cytogenetic location: 19q13.2.
Variant type: single nucleotide variant.
Coding change: c.694G>A on transcript NM_000709.4 (MANE Select); coding-DNA position 694, G replaced by A.
Protein change: p.Val232Ile; replaces valine 232 with isoleucine.
Molecular consequence: missense variant.
Genome position (GRCh38, 1-based): chr19:41,422,211, G>A. VCF-style: chr19-41422211-G-A. GRCh37 (hg19) VCF-style: chr19-41928116-G-A.
Other names: c.694G>A, p.Val232Ile (NM_001164783.2); short protein forms V232I.
Identifiers: ClinVar variation 2891941 (VCV002891941.3), dbSNP rs977461786, ClinGen allele CA308524145.